The following is an entry in ClinVar:

NM_172107.4(KCNQ2):c.1734G>C (p.Met578Ile)

Gene: KCNQ2 (potassium voltage-gated channel subfamily Q member 2; minus strand). Cytogenetic location: 20q13.33.
Variant type: single nucleotide variant.
Coding change: c.1734G>C on transcript NM_172107.4 (MANE Select); coding-DNA position 1734, G replaced by C.
Protein change: p.Met578Ile; replaces methionine 578 with isoleucine.
Molecular consequence: missense variant.
Genome position (GRCh38, 1-based): chr20:63,413,479, C>G on the plus strand (G>C on the coding strand, the complement: KCNQ2 is on the minus strand). VCF-style: chr20-63413479-C-G. GRCh37 (hg19) VCF-style: chr20-62044832-C-G.
Other names: p.M578I:ATG>ATC; c.1650G>C, p.Met550Ile (NM_004518.6); c.1680G>C, p.Met560Ile (NM_172106.3); c.1641G>C, p.Met547Ile (NM_172108.5); short protein forms M578I, M550I, M560I, M547I.
Identifiers: ClinVar variation 205919 (VCV000205919.4), dbSNP rs796052655, ClinGen allele CA315483.
Genomic context (GRCh38, chr20:63,413,479, plus strand): 5'-CCCCTGCTGGACAGGCAGGCGGGGCTCTTGCCTGGACTGCAGGCTCTTAATTCGGGACAG[C>G]ATGTCCAGGTGGCCGGCTGAGTACTGCTCGATGACGTCCATCACGTCGTAGGGCCGCAGG-3'
Protein context (NP_742105.1, residues 568-588): IEQYSAGHLD[Met578Ile]LSRIKSLQSR

ClinVar aggregate classification (germline): Pathogenic. Review status: criteria provided, single submitter (1 of 4 stars). 2 submissions from 2 submitters: Pathogenic (1). 1 of the submissions does not count toward it. Last evaluated 2020-07-30.

Conditions:
Developmental and epileptic encephalopathy, 7 (DEE7). Also called: KCNQ2-Related Neonatal Epileptic Encephalopathy; Early infantile epileptic encephalopathy 7; KCNQ2-Related Neonatal-Onset Developmental and Epileptic Encephalopathy (NEO-DEE). Identifiers: Orphanet 439218, MedGen C3150986, MONDO:0013387, OMIM 613720.

Submissions (2):

GeneDx
Classification: Pathogenic. Last evaluated: 2020-07-30. Review status: criteria provided, single submitter. Criteria: GeneDx Variant Classification Process June 2021. Collection method: clinical testing. Allele origin: germline. Affected: yes.
Comment: Not observed in large population cohorts (Lek et al., 2016); Missense variants in this gene are often considered pathogenic (Stenson et al., 2014); In silico analysis supports that this missense variant has a deleterious effect on protein structure/function; This substitution is predicted to be within the C-terminal cytoplasmic domain; This variant is associated with the following publications: (PMID: 25880994, 24371303)

GeneReviews
No classification provided. Condition: Developmental and epileptic encephalopathy, 7. Review status: no classification provided. Collection method: literature only. Allele origin: germline. Affected: yes. Not counted in ClinVar's aggregate classification.
Comment: EE (epileptic encephalopathy)

Literature cited by the submitters: PubMed 24371303 (cited by GeneReviews); NCBI Bookshelf NBK32534 (cited by GeneReviews).